The following is an entry in ClinVar:

ClinVar aggregate classification (germline): Uncertain significance. Review status: criteria provided, multiple submitters, no conflicts (2 of 4 stars). 4 submissions from 4 submitters: Uncertain significance (4). Last evaluated 2026-01-27.

Conditions:
Cardiovascular phenotype. Identifiers: MedGen CN230736.
Arrhythmogenic right ventricular dysplasia 12. Also called: ARRHYTHMOGENIC RIGHT VENTRICULAR DYSPLASIA, FAMILIAL, 12. Identifiers: MedGen C1969081, MONDO:0012684, OMIM 611528.
Naxos disease (NXD). Also called: KERATOSIS PALMOPLANTARIS WITH ARRHYTHMOGENIC CARDIOMYOPATHY; MAL DE NAXOS; PALMOPLANTAR KERATODERMA WITH ARRHYTHMOGENIC RIGHT VENTRICULAR CARDIOMYOPATHY AND WOOLLY HAIR; WOOLLY HAIR, PALMOPLANTAR KERATODERMA, AND CARDIAC ABNORMALITIES; CARDIOMYOPATHY, ARRHYTHMOGENIC RIGHT VENTRICULAR, WITH SKIN, HAIR, AND NAIL ABNORMALITIES. Identifiers: Orphanet 34217, MedGen C1832600, MONDO:0011017, OMIM 601214.

Allele frequency attached by ClinVar (database versions not stated): TOPMed 0.00001; gnomAD 0.00003.
gnomAD v4.1: 10 of 1,613,510 alleles (0.00062%); highest among the groups gnomAD compares: African/African-American, 0.0013%; no homozygotes.

Submissions (4):

Labcorp Genetics (formerly Invitae), Labcorp
Classification: Uncertain significance for Arrhythmogenic right ventricular dysplasia 12; Naxos disease. Last evaluated: 2026-01-27. Review status: criteria provided, single submitter. Criteria: Invitae Variant Classification Sherloc (09022015). Collection method: clinical testing. Allele origin: germline.
Comment: This sequence change replaces arginine, which is basic and polar, with glycine, which is neutral and non-polar, at codon 367 of the JUP protein (p.Arg367Gly). This variant is present in population databases (rs76416187, gnomAD 0.007%). This variant has not been reported in the literature in individuals affected with JUP-related conditions. ClinVar contains an entry for this variant (Variation ID: 201821). An algorithm developed to predict the effect of missense changes on protein structure and function (PolyPhen-2) suggests that this variant is likely to be disruptive. In summary, the available evidence is currently insufficient to determine the role of this variant in disease. Therefore, it has been classified as a Variant of Uncertain Significance.

Ambry Genetics
Classification: Uncertain significance for Cardiovascular phenotype. Last evaluated: 2025-11-02. Review status: criteria provided, single submitter. Criteria: Ambry Variant Classification Scheme 2023. Collection method: clinical testing. Allele origin: germline.
Comment: The p.R367G variant (also known as c.1099C>G), located in coding exon 6 of the JUP gene, results from a C to G substitution at nucleotide position 1099. The arginine at codon 367 is replaced by glycine, an amino acid with dissimilar properties. This amino acid position is conserved. In addition, this alteration is predicted to be deleterious by in silico analysis. Since supporting evidence is limited at this time, the clinical significance of this alteration remains unclear.

Fulgent Genetics
Classification: Uncertain significance for Naxos disease; Arrhythmogenic right ventricular dysplasia 12. Last evaluated: 2021-11-09. Review status: criteria provided, single submitter. Criteria: ACMG Guidelines, 2015. Collection method: clinical testing. Allele origin: unknown.

GeneDx
Classification: Uncertain significance. Last evaluated: 2019-04-29. Review status: criteria provided, single submitter. Criteria: GeneDx Variant Classification Process June 2021. Collection method: clinical testing. Allele origin: germline. Affected: yes.
Comment: Has not been previously published as pathogenic or benign to our knowledge; Not observed at a significant frequency in large population cohorts (Lek et al., 2016); In silico analysis, which includes protein predictors and evolutionary conservation, supports a deleterious effect

NM_002230.4(JUP):c.1099C>G (p.Arg367Gly)

Gene: JUP (junction plakoglobin; minus strand). Cytogenetic location: 17q21.2.
Variant type: single nucleotide variant.
Coding change: c.1099C>G on transcript NM_002230.4 (MANE Select); coding-DNA position 1099, C replaced by G.
Protein change: p.Arg367Gly; replaces arginine 367 with glycine.
Molecular consequence: missense variant.
Genome position (GRCh38, 1-based): chr17:41,764,772, G>C on the plus strand (C>G on the coding strand, the complement: JUP is on the minus strand). VCF-style: chr17-41764772-G-C. GRCh37 (hg19) VCF-style: chr17-39921024-G-C.
Other names: p.R367G:CGC>GGC; c.1099C>G, p.Arg367Gly (NM_001352773.2, NM_001352774.2, NM_001352775.2 and 3 more transcripts); short protein forms R367G.
Identifiers: ClinVar variation 201821 (VCV000201821.16), dbSNP rs76416187, ClinGen allele CA308516.
Genomic context (GRCh38, chr17:41,764,772, plus strand): 5'-CCTGCTTGGTGGCCACATCTGAGAGGTTGCGCAGGGTCCACAGGCAGTTCTGCACCAGGC[G>C]GGGGCTGTTGCTGGTCAGGTGCTTGCCCAGGGCCTGCATCCCACCTGGGGCAGGGATAGG-3'
Protein context (NP_002221.1, residues 357-377): LGKHLTSNSP[Arg367Gly]LVQNCLWTLR